The following is an entry in ClinVar:

NM_001200.4(BMP2):c.701A>G (p.Glu234Gly)

Gene: BMP2 (bone morphogenetic protein 2; plus strand). Cytogenetic location: 20p12.3.
Variant type: single nucleotide variant.
Coding change: c.701A>G on transcript NM_001200.4 (MANE Select); coding-DNA position 701, A replaced by G.
Protein change: p.Glu234Gly; replaces glutamic acid 234 with glycine.
Molecular consequence: missense variant.
Genome position (GRCh38, 1-based): chr20:6,778,599, A>G. VCF-style: chr20-6778599-A-G. GRCh37 (hg19) VCF-style: chr20-6759246-A-G.
Other names: c.701A>G (NM_001200.2); short protein forms E234G.
Identifiers: ClinVar variation 1977843 (VCV001977843.6), dbSNP rs1395477404, ClinGen allele CA408258913.

ClinVar aggregate classification (germline): Uncertain significance. Review status: criteria provided, multiple submitters, no conflicts (2 of 4 stars). 2 submissions from 2 submitters: Uncertain significance (2). Last evaluated 2024-10-09.

Conditions:
Inborn genetic diseases. Identifiers: MedGen C0950123, MeSH D030342.

Allele frequency attached by ClinVar (database versions not stated): gnomAD exomes below 0.00001.
gnomAD v4.1: 1 of 1,614,034 alleles (0.000062%); highest among the groups gnomAD compares: Admixed American, 0.0017%; no homozygotes.

Submissions (2):

Ambry Genetics
Classification: Uncertain significance for Inborn genetic diseases. Last evaluated: 2024-10-09. Review status: criteria provided, single submitter. Criteria: Ambry Variant Classification Scheme 2023. Collection method: clinical testing. Allele origin: germline.

Labcorp Genetics (formerly Invitae), Labcorp
Classification: Uncertain significance. Last evaluated: 2023-05-16. Review status: criteria provided, single submitter. Criteria: Invitae Variant Classification Sherloc (09022015). Collection method: clinical testing. Allele origin: germline.
Comment: ClinVar contains an entry for this variant (Variation ID: 1977843). This variant has not been reported in the literature in individuals affected with BMP2-related conditions. This variant is not present in population databases (gnomAD no frequency). This sequence change replaces glutamic acid, which is acidic and polar, with glycine, which is neutral and non-polar, at codon 234 of the BMP2 protein (p.Glu234Gly). An algorithm developed to predict the effect of missense changes on protein structure and function (PolyPhen-2) suggests that this variant is likely to be tolerated. In summary, the available evidence is currently insufficient to determine the role of this variant in disease. Therefore, it has been classified as a Variant of Uncertain Significance.